The following is an entry in ClinVar:

NM_004595.5(SMS):c.369C>T (p.Tyr123=)

Gene: SMS (spermine synthase; plus strand). Cytogenetic location: Xp22.11.
Variant type: single nucleotide variant.
Coding change: c.369C>T on transcript NM_004595.5 (MANE Select); coding-DNA position 369, C replaced by T.
Protein change: p.Tyr123=; no amino-acid change (tyrosine 123 retained).
Molecular consequence: synonymous variant.
Genome position (GRCh38, 1-based): chrX:21,977,100, C>T. VCF-style: chrX-21977100-C-T. GRCh37 (hg19) VCF-style: chrX-21995218-C-T.
Other names: c.210C>T, p.Tyr70= (NM_001258423.2).
Identifiers: ClinVar variation 3239166 (VCV003239166.19), dbSNP rs2519669256.

ClinVar aggregate classification (germline): Likely benign (1 of 4 stars; one submission).

Submission:

CeGaT Center for Human Genetics Tuebingen
Classification: Likely benign. Last evaluated: 2024-05-01. Review status: criteria provided, single submitter. Criteria: CeGaT Center For Human Genetics Tuebingen Variant Classification Criteria Version 2. Collection method: clinical testing. Allele origin: germline. Affected: yes. Observed: 1 variant allele.
Comment: SMS: PM2:Supporting, BP4, BP7